The following is an entry in ClinVar:

ClinVar aggregate classification (germline): Uncertain significance. Review status: criteria provided, multiple submitters, no conflicts (2 of 4 stars). 2 submissions from 2 submitters: Uncertain significance (2). Last evaluated 2023-12-06.

Conditions:
JARID2-related disorder. Also called: JARID2-related condition.

Submissions (2):

GeneDx
Classification: Uncertain significance. Last evaluated: 2023-12-06. Review status: criteria provided, single submitter. Criteria: GeneDx Variant Classification Process June 2021. Collection method: clinical testing. Allele origin: germline. Affected: yes.
Comment: Not observed at significant frequency in large population cohorts (gnomAD); In silico analysis supports that this missense variant does not alter protein structure/function; Has not been previously published as pathogenic or benign to our knowledge

PreventionGenetics, part of Exact Sciences
Classification: Uncertain significance for JARID2-related condition. Last evaluated: 2023-06-12. Review status: criteria provided, single submitter. Criteria: ACMG Guidelines, 2015. Collection method: clinical testing. Allele origin: germline.
Comment: The JARID2 c.3128C>G variant is predicted to result in the amino acid substitution p.Thr1043Ser. To our knowledge, this variant has not been reported in the literature or in a large population database, indicating this variant is rare. At this time, the clinical significance of this variant is uncertain due to the absence of conclusive functional and genetic evidence.

NM_004973.4(JARID2):c.3128C>G (p.Thr1043Ser)

Gene: JARID2 (jumonji and AT-rich interaction domain containing 2; plus strand). Cytogenetic location: 6p22.3.
Variant type: single nucleotide variant.
Coding change: c.3128C>G on transcript NM_004973.4 (MANE Select); coding-DNA position 3128, C replaced by G.
Protein change: p.Thr1043Ser; replaces threonine 1043 with serine.
Molecular consequence: missense variant.
Genome position (GRCh38, 1-based): chr6:15,512,383, C>G. VCF-style: chr6-15512383-C-G. GRCh37 (hg19) VCF-style: chr6-15512614-C-G.
Other names: c.2612C>G, p.Thr871Ser (NM_001267040.1); short protein forms T1043S, T871S.
Identifiers: ClinVar variation 2632203 (VCV002632203.2), dbSNP rs2533233704, ClinGen allele CA362802517.
Genomic context (GRCh38, chr6:15,512,383, plus strand): 5'-ACAGCGTGTCTGAAACCGTGCACTTTGCTACCACCCAGTGGACAAGTATGGGCTTTGAGA[C>G]CGCCAAGGTGAGCAGAGCCGGCCTCCTCCCGCTTGCTGCCCCCGCATCCCTGTGAGTGCC-3'
Protein context (NP_004964.2, residues 1033-1053): TTQWTSMGFE[Thr1043Ser]AKEMKRRHIA